The following is an entry in ClinVar:

ClinVar aggregate classification (germline): Benign. Review status: reviewed by expert panel (3 of 4 stars). 5 submissions from 5 submitters: Benign (1). 4 of the submissions do not count toward it. Last evaluated 2024-10-11.

Conditions:
Hereditary factor VIII deficiency disease (HEMA). Also called: HEMOPHILIA, CLASSIC; Hemophilia A; AUTOSOMAL HEMOPHILIA A; Hemophilia A, congenital; HEM A; Factor 8 deficiency, congenital. Identifiers: Orphanet 98878, MedGen C0019069, MONDO:0010602, OMIM 306700.
Thrombophilia, X-linked, due to factor 8 defect. Also called: Thrombophilia 13, X-linked, due to factor VIII defect; THROMBOPHILIA, X-LINKED, DUE TO FACTOR VIII DEFECT. Identifiers: MedGen C5676879, MONDO:0859082, OMIM 301071.
Inborn genetic diseases. Identifiers: MedGen C0950123, MeSH D030342.

Allele frequency attached by ClinVar (database versions not stated): 1000 Genomes Project 0.00185; 1000 Genomes Project 30x 0.00187.
gnomAD v4.1: 480 of 1,209,821 alleles (0.04%); highest among the groups gnomAD compares: South Asian, 0.79%; 5 homozygotes.

Submissions (5):

ClinGen Coagulation Factor Deficiency Variant Curation Expert Panel, Clingen
Classification: Benign for Hereditary factor VIII deficiency disease. Last evaluated: 2024-10-11. Review status: reviewed by expert panel. Criteria: ClinGen CoagFactor ACMG Specifications F8 V1.0.0. Collection method: curation. Allele origin: germline. Inheritance: X-linked inheritance.
Comment: The c.5703C>A variant in F8 is a synonymous (silent) variant (p.Ile1901=) that is not predicted by SpliceAI to impact splicing. This variant is located in Exon 17, within the A3 domain of FVIII. However, BP7 was not applied as the nucleotide is conserved. However, PS4_Supporting cannot be applied because VWD 2N was not ruled out (PMID: 16128892) and BA1 was met. The c.5703C>A (p.Ile1901=) variant is reported at an MAF of 0.007915 (151/19078 alleles) in the South Asian population in gnomAD v2.1.1 with 105 hemizygotes, meeting BA1 criteria of MAF >= 0.000333. The computational predictor REVEL has a score of 0 which is below the threshold of 0.3, and the splice site predictor Splice AI indicated that the variant has no impact on splicing, evidence that does not predict a damaging effect on F8 function (BP4_Supporting). In summary, this variant meets the criteria to be classified as benign for Hemophilia A based on the ACMG/AMP criteria applied, as specified by the Coagulation Factor Deficiency Variant Curation Expert Panel for F8 (version 1.0.0, released 10/5/2023): BA1, BP4_Supporting.

Blueprint Genetics
Classification: Likely benign. Last evaluated: 2024-08-04. Review status: criteria provided, single submitter. Criteria: ACMG Guidelines, 2015. Collection method: clinical testing. Allele origin: germline. Not counted in ClinVar's aggregate classification.

Ambry Genetics
Classification: Likely benign for Inborn genetic diseases. Last evaluated: 2023-06-06. Review status: criteria provided, single submitter. Criteria: Ambry Variant Classification Scheme 2023. Collection method: clinical testing. Allele origin: germline. Not counted in ClinVar's aggregate classification.

Revvity Omics, Revvity
Classification: Uncertain significance. Last evaluated: 2023-05-19. Review status: criteria provided, single submitter. Criteria: ACMG Guidelines, 2015. Collection method: clinical testing. Allele origin: germline. Not counted in ClinVar's aggregate classification.

Mendelics
Classification: Pathogenic for Thrombophilia, X-linked, due to factor 8 defect. Last evaluated: 2022-05-04. Review status: criteria provided, single submitter. Criteria: Mendelics Assertion Criteria 2019. Collection method: clinical testing. Allele origin: germline. Not counted in ClinVar's aggregate classification.

NM_000132.4(F8):c.5703C>A (p.Ile1901=)

Gene: F8 (coagulation factor VIII; minus strand). Cytogenetic location: Xq28.
Variant type: single nucleotide variant.
Coding change: c.5703C>A on transcript NM_000132.4 (MANE Select); coding-DNA position 5703, C replaced by A.
Protein change: p.Ile1901=; no amino-acid change (isoleucine 1901 retained).
Molecular consequence: synonymous variant.
Genome position (GRCh38, 1-based): chrX:154,904,408, G>T on the plus strand (C>A on the coding strand, the complement: F8 is on the minus strand). VCF-style: chrX-154904408-G-T. GRCh37 (hg19) VCF-style: chrX-154132683-G-T.
Other names: NM_000132.4(F8):c.5703C>A; p.Ile1901=; c.5703C>A (NM_000132.3).
Identifiers: ClinVar variation 1685787 (VCV001685787.6), dbSNP rs782721473, ClinGen allele CA10567943.